The following is an entry in ClinVar:

NM_000817.3(GAD1):c.822G>A (p.Lys274=)

Gene: GAD1 (glutamate decarboxylase 1; plus strand). Cytogenetic location: 2q31.1.
Variant type: single nucleotide variant.
Coding change: c.822G>A on transcript NM_000817.3 (MANE Select); coding-DNA position 822, G replaced by A.
Protein change: p.Lys274=; no amino-acid change (lysine 274 retained).
Molecular consequence: synonymous variant.
Genome position (GRCh38, 1-based): chr2:170,845,576, G>A. VCF-style: chr2-170845576-G-A. GRCh37 (hg19) VCF-style: chr2-171702086-G-A.
Identifiers: ClinVar variation 2651538 (VCV002651538.24), dbSNP rs757342630, ClinGen allele CA429763555.
Genomic context (GRCh38, chr2:170,845,576, plus strand): 5'-ATCCAACATGTACAGCATCATGGCTGCTCGCTACAAGTACTTCCCGGAAGTTAAGACAAA[G>A]GGCATGGCGGCTGTGCCTAAACTGGTCCTCTTCACCTCAGAACAGGTGAGTCGGGGATGC-3'
Protein context (NP_000808.2, residues 264-284): RYKYFPEVKT[Lys274=]GMAAVPKLVL

ClinVar aggregate classification (germline): Likely benign (1 of 4 stars; one submission).

Submission:

CeGaT Center for Human Genetics Tuebingen
Classification: Likely benign. Last evaluated: 2022-03-01. Review status: criteria provided, single submitter. Criteria: CeGaT Center For Human Genetics Tuebingen Variant Classification Criteria Version 2. Collection method: clinical testing. Allele origin: germline. Affected: yes. Observed: 1 variant allele.
Comment: GAD1: BP4, BP7